The following is an entry in ClinVar:

ClinVar aggregate classification (germline): Uncertain significance (1 of 4 stars; one submission).

Conditions:
Cardiac, facial, and digital anomalies with developmental delay. Identifiers: Orphanet 592570, MedGen C4748484, MONDO:0032572, OMIM 618164.

Submission:

Juno Genomics, Hangzhou Juno Genomics, Inc
Classification: Uncertain significance for Cardiac, facial, and digital anomalies with developmental delay. Review status: criteria provided, single submitter. Criteria: ACMG Guidelines, 2015. Collection method: clinical testing. Allele origin: germline.
Comment: Absent from controls (or at extremely low frequency if recessive) in Genome Aggregation Database.;Multiple lines of computational evidence support a deleterious effect on the gene or gene product.

NM_032271.3(TRAF7):c.1202G>A (p.Cys401Tyr)

Gene: TRAF7 (TNF receptor associated factor 7; plus strand). Cytogenetic location: 16p13.3.
Variant type: single nucleotide variant.
Coding change: c.1202G>A on transcript NM_032271.3 (MANE Select); coding-DNA position 1202, G replaced by A.
Protein change: p.Cys401Tyr; replaces cysteine 401 with tyrosine.
Molecular consequence: missense variant.
Genome position (GRCh38, 1-based): chr16:2,173,987, G>A. VCF-style: chr16-2173987-G-A. GRCh37 (hg19) VCF-style: chr16-2223988-G-A.
Other names: short protein forms C401Y.
Identifiers: ClinVar variation 5019247 (VCV005019247.2).